The following is an entry in ClinVar:

ClinVar aggregate classification (germline): Likely benign. Review status: reviewed by expert panel (3 of 4 stars). 4 submissions from 4 submitters: Likely benign (1). 3 of the submissions do not count toward it. Last evaluated 2017-06-29.

Conditions:
Hereditary cancer-predisposing syndrome. Also called: Hereditary Cancer Syndrome; Neoplastic Syndromes, Hereditary; Tumor predisposition; Hereditary neoplastic syndrome. Identifiers: Orphanet 140162, MedGen C0027672, MeSH D009386, MONDO:0015356.
Breast-ovarian cancer, familial, susceptibility to, 2 (BROVCA2). Also called: BRCA2 Hereditary Breast and Ovarian Cancer. Identifiers: Orphanet 145, MedGen C2675520, MONDO:0012933, OMIM 612555. Disease mechanism: loss of function.
Hereditary breast ovarian cancer syndrome. Also called: Hereditary breast and/or ovarian cancer syndrome; BRCA1- and BRCA2-Associated Hereditary Breast and Ovarian Cancer; Hereditary breast and ovarian cancer syndrome (HBOC); Hereditary breast and ovarian cancer; Hereditary breast and ovarian cancer syndrome; Breast and ovarian cancer. Identifiers: Orphanet 145, MedGen C0677776, MeSH D061325, MONDO:0003582. Disease mechanism: loss of function.

Allele frequency attached by ClinVar (database versions not stated): gnomAD exomes below 0.00001.
gnomAD v4.1: 2 of 1,609,578 alleles (0.00012%); highest among the groups gnomAD compares: Non-Finnish European, 0.00017%; no homozygotes.

Submissions (4):

Evidence-based Network for the Interpretation of Germline Mutant Alleles (ENIGMA)
Classification: Likely benign for Breast-ovarian cancer, familial, susceptibility to, 2. Last evaluated: 2017-06-29. Review status: reviewed by expert panel. Criteria: ENIGMA BRCA1/2 Classification Criteria (2017-06-29). Collection method: curation. Allele origin: germline.
Comment: Synonymous substitution variant, with low bioinformatic likelihood to result in a splicing aberration (Splicing prior probability 0.02).

Labcorp Genetics (formerly Invitae), Labcorp
Classification: Likely benign for Hereditary breast ovarian cancer syndrome. Last evaluated: 2023-07-28. Review status: criteria provided, single submitter. Criteria: Invitae Variant Classification Sherloc (09022015). Collection method: clinical testing. Allele origin: germline. Not counted in ClinVar's aggregate classification.

Women's Health and Genetics/Laboratory Corporation of America, LabCorp
Classification: Likely benign. Last evaluated: 2019-09-08. Review status: criteria provided, single submitter. Criteria: LabCorp Variant Classification Summary - May 2015. Collection method: clinical testing. Allele origin: germline. Not counted in ClinVar's aggregate classification.

Ambry Genetics
Classification: Likely benign for Hereditary cancer-predisposing syndrome. Last evaluated: 2015-03-20. Review status: criteria provided, single submitter. Criteria: Ambry Variant Classification Scheme 2023. Collection method: clinical testing. Allele origin: germline. Not counted in ClinVar's aggregate classification.

NM_000059.4(BRCA2):c.436C>T (p.Leu146=)

Gene: BRCA2 (BRCA2 DNA repair associated; plus strand). Cytogenetic location: 13q13.1.
Variant type: single nucleotide variant.
Coding change: c.436C>T on transcript NM_000059.4 (MANE Select); coding-DNA position 436, C replaced by T.
Protein change: p.Leu146=; no amino-acid change (leucine 146 retained).
Molecular consequence: synonymous variant.
Genome position (GRCh38, 1-based): chr13:32,326,111, C>T. VCF-style: chr13-32326111-C-T. GRCh37 (hg19) VCF-style: chr13-32900248-C-T.
Identifiers: ClinVar variation 231028 (VCV000231028.18), dbSNP rs876658912, ClinGen allele CA10579458.